The following is an entry in ClinVar:

NM_000038.6(APC):c.3246T>C (p.Thr1082=)

Gene: APC (APC regulator of Wnt signaling pathway; plus strand). Cytogenetic location: 5q22.2.
Variant type: single nucleotide variant.
Coding change: c.3246T>C on transcript NM_000038.6 (MANE Select); coding-DNA position 3246, T replaced by C.
Protein change: p.Thr1082=; no amino-acid change (threonine 1082 retained).
Molecular consequence: synonymous variant. On other transcripts: non-coding transcript variant (2).
Genome position (GRCh38, 1-based): chr5:112,838,840, T>C. VCF-style: chr5-112838840-T-C. GRCh37 (hg19) VCF-style: chr5-112174537-T-C.
Other names: c.2868T>C, p.Thr956= (NM_001354904.2); c.2766T>C, p.Thr922= (NM_001354905.2); c.2397T>C, p.Thr799= (NM_001354906.2, NM_001407470.1); c.3330T>C, p.Thr1110= (NM_001407446.1); c.3300T>C, p.Thr1100= (NM_001407447.1, NM_001407448.1, NM_001407449.1 and 1 more transcripts); c.3216T>C, p.Thr1072= (NM_001407452.1); c.2997T>C, p.Thr999= (NM_001407456.1, NM_001407454.1, NM_001407455.1 and 1 more transcripts); c.3069T>C, p.Thr1023= (NM_001407453.1, NM_001354901.2); and 11 more.
Identifiers: ClinVar variation 1729347 (VCV001729347.5), dbSNP rs1765373337, ClinGen allele CA445963533.

ClinVar aggregate classification (germline): Benign/Likely benign. Review status: criteria provided, multiple submitters, no conflicts (2 of 4 stars). 4 submissions from 4 submitters: Benign (1); Likely benign (3). Last evaluated 2025-06-23.

Conditions:
Hereditary cancer-predisposing syndrome. Also called: Neoplastic Syndromes, Hereditary; Tumor predisposition; Hereditary Cancer Syndrome; Hereditary neoplastic syndrome. Identifiers: Orphanet 140162, MedGen C0027672, MeSH D009386, MONDO:0015356.
Familial adenomatous polyposis 1 (FAP1). Also called: FAMILIAL ADENOMATOUS POLYPOSIS 1, ATTENUATED; POLYPOSIS, ADENOMATOUS INTESTINAL. Identifiers: MedGen C2713442, MONDO:0021056, OMIM 175100. Disease mechanism: loss of function.

Allele frequency attached by ClinVar (database versions not stated): TOPMed below 0.00001; gnomAD 0.00001.
gnomAD v4.1: 1 of 1,614,018 alleles (0.000062%); highest among the groups gnomAD compares: Non-Finnish European, 0.000085%; no homozygotes.

Submissions (4):

Color Diagnostics, LLC DBA Color Health
Classification: Likely benign for Hereditary cancer-predisposing syndrome. Last evaluated: 2025-06-23. Review status: criteria provided, single submitter. Criteria: ACMG Guidelines, 2015. Collection method: clinical testing. Allele origin: germline.

Labcorp Genetics (formerly Invitae), Labcorp
Classification: Likely benign for Familial adenomatous polyposis 1. Last evaluated: 2024-08-15. Review status: criteria provided, single submitter. Criteria: Invitae Variant Classification Sherloc (09022015). Collection method: clinical testing. Allele origin: germline.

Myriad Genetics, Inc.
Classification: Benign for Familial adenomatous polyposis 1. Last evaluated: 2024-03-18. Review status: criteria provided, single submitter. Criteria: Myriad Autosomal Dominant, Autosomal Recessive and X-Linked Classification Criteria (2023). Collection method: clinical testing. Allele origin: unknown.
Comment: This variant is considered benign. This variant is a silent/synonymous amino acid change and it is not expected to impact splicing.

Ambry Genetics
Classification: Likely benign for Hereditary cancer-predisposing syndrome. Last evaluated: 2020-11-15. Review status: criteria provided, single submitter. Criteria: Ambry Variant Classification Scheme 2023. Collection method: clinical testing. Allele origin: germline.